The following is an entry in ClinVar:

NM_004211.5(SLC6A5):c.719C>T (p.Ala240Val)

Gene: SLC6A5 (solute carrier family 6 member 5; plus strand). Cytogenetic location: 11p15.1.
Variant type: single nucleotide variant.
Coding change: c.719C>T on transcript NM_004211.5 (MANE Select); coding-DNA position 719, C replaced by T.
Protein change: p.Ala240Val; replaces alanine 240 with valine.
Molecular consequence: missense variant.
Genome position (GRCh38, 1-based): chr11:20,607,046, C>T. VCF-style: chr11-20607046-C-T. GRCh37 (hg19) VCF-style: chr11-20628592-C-T.
Other names: c.17C>T, p.Ala6Val (NM_001318369.2); short protein forms A240V, A6V.
Identifiers: ClinVar variation 2005141 (VCV002005141.4), dbSNP rs770456450, ClinGen allele CA379913717.

ClinVar aggregate classification (germline): Uncertain significance (1 of 4 stars; one submission).

Conditions:
Hyperekplexia 3 (HKPX3). Also called: HYPEREKPLEXIA 3, AUTOSOMAL RECESSIVE; HYPEREKPLEXIA 3, AUTOSOMAL DOMINANT. Identifiers: Orphanet 3197, MedGen C3553288, MONDO:0013827, OMIM 614618.

Submission:

Labcorp Genetics (formerly Invitae), Labcorp
Classification: Uncertain significance for Hyperekplexia 3. Last evaluated: 2022-06-12. Review status: criteria provided, single submitter. Criteria: Invitae Variant Classification Sherloc (09022015). Collection method: clinical testing. Allele origin: germline.
Comment: In summary, the available evidence is currently insufficient to determine the role of this variant in disease. Therefore, it has been classified as a Variant of Uncertain Significance. Algorithms developed to predict the effect of missense changes on protein structure and function (SIFT, PolyPhen-2, Align-GVGD) all suggest that this variant is likely to be disruptive. This variant has not been reported in the literature in individuals affected with SLC6A5-related conditions. This variant is not present in population databases (gnomAD no frequency). This sequence change replaces alanine, which is neutral and non-polar, with valine, which is neutral and non-polar, at codon 240 of the SLC6A5 protein (p.Ala240Val).